The following is an entry in ClinVar:

ClinVar aggregate classification (germline): Uncertain significance (1 of 4 stars; one submission).

Submission:

Labcorp Genetics (formerly Invitae), Labcorp
Classification: Uncertain significance. Last evaluated: 2020-12-08. Review status: criteria provided, single submitter. Criteria: Invitae Variant Classification Sherloc (09022015). Collection method: clinical testing. Allele origin: germline.
Comment: This variant has not been reported in the literature in individuals with IL6ST-related conditions. This variant is not present in population databases (ExAC no frequency). This sequence change replaces tyrosine with histidine at codon 218 of the IL6ST protein (p.Tyr218His). The tyrosine residue is weakly conserved and there is a moderate physicochemical difference between tyrosine and histidine. In summary, the available evidence is currently insufficient to determine the role of this variant in disease. Therefore, it has been classified as a Variant of Uncertain Significance. Algorithms developed to predict the effect of missense changes on protein structure and function (SIFT, PolyPhen-2, Align-GVGD) all suggest that this variant is likely to be tolerated, but these predictions have not been confirmed by published functional studies and their clinical significance is uncertain.

NM_002184.4(IL6ST):c.652T>C (p.Tyr218His)

Gene: IL6ST (interleukin 6 cytokine family signal transducer; minus strand). Cytogenetic location: 5q11.2.
Variant type: single nucleotide variant.
Coding change: c.652T>C on transcript NM_002184.4 (MANE Select); coding-DNA position 652, T replaced by C.
Protein change: p.Tyr218His; replaces tyrosine 218 with histidine.
Molecular consequence: missense variant. On other transcripts: 5 prime UTR variant (3), non-coding transcript variant (2).
Genome position (GRCh38, 1-based): chr5:55,964,152, A>G on the plus strand (T>C on the coding strand, the complement: IL6ST is on the minus strand). VCF-style: chr5-55964152-A-G. GRCh37 (hg19) VCF-style: chr5-55259980-A-G.
Other names: c.652T>C, p.Tyr218His (NM_001190981.2, NM_001364275.2, NM_175767.3); c.442T>C, p.Tyr148His (NM_001364276.2); c.-262T>C (NM_001364277.2, NM_001364279.2); c.-252T>C (NM_001364278.2); short protein forms Y218H, Y148H.
Identifiers: ClinVar variation 1417423 (VCV001417423.8), dbSNP rs2111773455, ClinGen allele CA359766815.
Genomic context (GRCh38, chr5:55,964,152, plus strand): 5'-ATTTGTAAACGACTACAGTGTCAAATAAACTCTCAAATTCAGGTTTATAACTACCTTTAT[A>G]TACAGGATCAAAATTGATATGATCTGATGTAACCTTCCCAAGGGCATTCTCTGCTTCTAC-3'
Protein context (NP_002175.2, residues 208-228): TSDHINFDPV[Tyr218His]KVKPNPPHNL